The following is an entry in ClinVar:

NM_000458.4(HNF1B):c.716G>A (p.Gly239Glu)

Genes: HNF1B (HNF1 homeobox B; minus strand), LOC126862549 (BRD4-independent group 4 enhancer GRCh37_chr17:36093401-36094600; plus strand). Cytogenetic location: 17q12.
Variant type: single nucleotide variant.
Coding change: c.716G>A on transcript NM_000458.4 (MANE Select); coding-DNA position 716, G replaced by A.
Protein change: p.Gly239Glu; replaces glycine 239 with glutamic acid.
Molecular consequence: missense variant.
Genome position (GRCh38, 1-based): chr17:37,733,650, C>T on the plus strand (G>A on the coding strand, the complement: HNF1B is on the minus strand). VCF-style: chr17-37733650-C-T. GRCh37 (hg19) VCF-style: chr17-36093643-C-T.
Other names: c.638G>A, p.Gly213Glu (NM_001165923.4, NM_001304286.2); short protein forms G239E, G213E.
Identifiers: ClinVar variation 635660 (VCV000635660.1), dbSNP rs2511809149, ClinGen allele CA398748511.

ClinVar aggregate classification (germline): Pathogenic (1 of 4 stars; one submission).

Conditions:
Renal cysts and diabetes syndrome (RCAD). Also called: Familial hypoplastic, glomerulocystic kidney; MATURITY-ONSET DIABETES OF THE YOUNG, TYPE 5. Identifiers: Orphanet 93111, MedGen C0431693, MONDO:0007669, OMIM 137920.

Submission:

Institute of Human Genetics, FAU Erlangen, Friedrich-Alexander-Universität Erlangen-Nürnberg
Classification: Pathogenic for Renal cysts and diabetes syndrome. Last evaluated: 2019-07-06. Review status: criteria provided, single submitter. Criteria: ACMG Guidelines, 2015. Collection method: literature only. Allele origin: germline. Affected: yes.
Comment: This variant and it's classification has been reported by Vasileiou et al. 2019; DOI:10.1101/576918. The variants has previously been reported in PMID:28593362 as "c.716G>A G239E" with clinical significance Pathogenic. It has been re-classified using InterVar and manual curation as Pathogenic based on PS2 PM1 PM2 PM5 PP3 PP5.

Literature cited by the submitters: PubMed 28593362; DOI 10.1101/576918.